The following is an entry in ClinVar:

ClinVar aggregate classification (germline): Uncertain significance (1 of 4 stars; one submission).

Conditions:
Congenital insensitivity to pain-hypohidrosis syndrome. Also called: HSAN VIII; Neuropathy, hereditary sensory and autonomic, type VIII. Identifiers: Orphanet 478664, MedGen C4225308, MONDO:0014662, OMIM 616488.

Allele frequency attached by ClinVar (database versions not stated): gnomAD 0.00001.

Submission:

Labcorp Genetics (formerly Invitae), Labcorp
Classification: Uncertain significance for Congenital insensitivity to pain-hypohidrosis syndrome. Last evaluated: 2021-09-21. Review status: criteria provided, single submitter. Criteria: Invitae Variant Classification Sherloc (09022015). Collection method: clinical testing. Allele origin: germline.
Comment: This sequence change replaces proline with serine at codon 338 of the PRDM12 protein (p.Pro338Ser). The proline residue is moderately conserved and there is a moderate physicochemical difference between proline and serine. The frequency data for this variant in the population databases is considered unreliable, as metrics indicate insufficient coverage at this position in the ExAC database. This variant has not been reported in the literature in individuals affected with PRDM12-related conditions. Algorithms developed to predict the effect of missense changes on protein structure and function are either unavailable or do not agree on the potential impact of this missense change (SIFT: "Tolerated"; PolyPhen-2: "Not Available"; Align-GVGD: "Class C0"). In summary, the available evidence is currently insufficient to determine the role of this variant in disease. Therefore, it has been classified as a Variant of Uncertain Significance.

NM_021619.3(PRDM12):c.1012C>T (p.Pro338Ser)

Gene: PRDM12 (PR/SET domain 12; plus strand). Cytogenetic location: 9q34.12.
Variant type: single nucleotide variant.
Coding change: c.1012C>T on transcript NM_021619.3 (MANE Select); coding-DNA position 1012, C replaced by T.
Protein change: p.Pro338Ser; replaces proline 338 with serine.
Molecular consequence: missense variant.
Genome position (GRCh38, 1-based): chr9:130,681,577, C>T. VCF-style: chr9-130681577-C-T. GRCh37 (hg19) VCF-style: chr9-133556964-C-T.
Other names: short protein forms P338S.
Identifiers: ClinVar variation 1508065 (VCV001508065.6), dbSNP rs1830902490, ClinGen allele CA375245174.